The following is an entry in ClinVar:

NM_001080414.4(CCDC88C):c.5933C>T (p.Pro1978Leu)

Gene: CCDC88C (coiled-coil domain containing 88C; minus strand). Cytogenetic location: 14q32.11.
Variant type: single nucleotide variant.
Coding change: c.5933C>T on transcript NM_001080414.4 (MANE Select); coding-DNA position 5933, C replaced by T.
Protein change: p.Pro1978Leu; replaces proline 1978 with leucine.
Molecular consequence: missense variant.
Genome position (GRCh38, 1-based): chr14:91,272,779, G>A on the plus strand (C>T on the coding strand, the complement: CCDC88C is on the minus strand). VCF-style: chr14-91272779-G-A. GRCh37 (hg19) VCF-style: chr14-91739123-G-A.
Other names: short protein forms P1978L.
Identifiers: ClinVar variation 2192281 (VCV002192281.1), dbSNP rs780317326, ClinGen allele CA7308556.
Genomic context (GRCh38, chr14:91,272,779, plus strand): 5'-TCCTCCAGGGCCCGGCCGAGGTGGGGAGCCAAATCGGGAGACCGACCTGGGCTCTTGGCC[G>A]GAAGCCCCTCACTGCAGCCCTGCCCCGGGACCCCGTCTCCCTCTGAGAGGCTGAGCCCTG-3'
Protein context (NP_001073883.2, residues 1968-1988): VPGQGCSEGL[Pro1978Leu]AKSPGRSPDL

ClinVar aggregate classification (germline): Uncertain significance (1 of 4 stars; one submission).

Allele frequency attached by ClinVar (database versions not stated): gnomAD 0.00001; ExAC 0.00002; TOPMed 0.00003.
gnomAD v4.1: 41 of 1,605,824 alleles (0.0026%); highest among the groups gnomAD compares: South Asian, 0.025%; no homozygotes.

Submission:

Labcorp Genetics (formerly Invitae), Labcorp
Classification: Uncertain significance. Last evaluated: 2022-02-22. Review status: criteria provided, single submitter. Criteria: Invitae Variant Classification Sherloc (09022015). Collection method: clinical testing. Allele origin: germline.
Comment: This sequence change replaces proline, which is neutral and non-polar, with leucine, which is neutral and non-polar, at codon 1978 of the CCDC88C protein (p.Pro1978Leu). The frequency data for this variant in the population databases is considered unreliable, as metrics indicate poor data quality at this position in the gnomAD database. This variant has not been reported in the literature in individuals affected with CCDC88C-related conditions. Algorithms developed to predict the effect of missense changes on protein structure and function output the following: SIFT: "Tolerated"; PolyPhen-2: "Benign"; Align-GVGD: "Class C0". The leucine amino acid residue is found in multiple mammalian species, which suggests that this missense change does not adversely affect protein function. In summary, the available evidence is currently insufficient to determine the role of this variant in disease. Therefore, it has been classified as a Variant of Uncertain Significance.